The following is an entry in ClinVar:

NM_020442.6(VARS2):c.934G>A (p.Val312Met)

Gene: VARS2 (valyl-tRNA synthetase 2, mitochondrial; plus strand). Cytogenetic location: 6p21.33.
Variant type: single nucleotide variant.
Coding change: c.934G>A on transcript NM_020442.6 (MANE Select); coding-DNA position 934, G replaced by A.
Protein change: p.Val312Met; replaces valine 312 with methionine.
Molecular consequence: missense variant.
Genome position (GRCh38, 1-based): chr6:30,917,755, G>A. VCF-style: chr6-30917755-G-A. GRCh37 (hg19) VCF-style: chr6-30885532-G-A.
Other names: c.1024G>A (NM_001167734.1); c.514G>A, p.Val172Met (NM_001167733.3); c.1024G>A, p.Val342Met (NM_001167734.2); short protein forms V172M, V312M, V342M.
Identifiers: ClinVar variation 2049934 (VCV002049934.6), dbSNP rs946672415, ClinGen allele CA136805543.

ClinVar aggregate classification (germline): Uncertain significance. Review status: criteria provided, multiple submitters, no conflicts (2 of 4 stars). 3 submissions from 3 submitters: Uncertain significance (3). Last evaluated 2025-08-13.

Conditions:
Inborn genetic diseases. Identifiers: MedGen C0950123, MeSH D030342.

Allele frequency attached by ClinVar (database versions not stated): gnomAD 0.00003; gnomAD exomes 0.00007; TOPMed 0.00004.
gnomAD v4.1: 110 of 1,566,320 alleles (0.007%); highest among the groups gnomAD compares: Non-Finnish European, 0.0085%; no homozygotes.

Submissions (3):

Ambry Genetics
Classification: Uncertain significance for Inborn genetic diseases. Last evaluated: 2025-08-13. Review status: criteria provided, single submitter. Criteria: Ambry Variant Classification Scheme 2023. Collection method: clinical testing. Allele origin: germline.

GeneDx
Classification: Uncertain significance. Last evaluated: 2025-03-21. Review status: criteria provided, single submitter. Criteria: GeneDx Variant Classification Process June 2021. Collection method: clinical testing. Allele origin: germline. Affected: yes.
Comment: Not observed at significant frequency in large population cohorts (gnomAD); In silico analysis supports that this missense variant has a deleterious effect on protein structure/function; Has not been previously published as pathogenic or benign to our knowledge

Labcorp Genetics (formerly Invitae), Labcorp
Classification: Uncertain significance. Last evaluated: 2022-04-29. Review status: criteria provided, single submitter. Criteria: Invitae Variant Classification Sherloc (09022015). Collection method: clinical testing. Allele origin: germline.
Comment: In summary, the available evidence is currently insufficient to determine the role of this variant in disease. Therefore, it has been classified as a Variant of Uncertain Significance. Algorithms developed to predict the effect of missense changes on protein structure and function are either unavailable or do not agree on the potential impact of this missense change (SIFT: "Deleterious"; PolyPhen-2: "Probably Damaging"; Align-GVGD: "Class C15"). This variant has not been reported in the literature in individuals affected with VARS2-related conditions. The frequency data for this variant in the population databases is considered unreliable, as metrics indicate poor data quality at this position in the gnomAD database. This sequence change replaces valine, which is neutral and non-polar, with methionine, which is neutral and non-polar, at codon 342 of the VARS2 protein (p.Val342Met).